The following is an entry in ClinVar:

ClinVar aggregate classification (germline): Uncertain significance (1 of 4 stars; one submission).

Submission:

GeneDx
Classification: Uncertain significance. Last evaluated: 2023-03-07. Review status: criteria provided, single submitter. Criteria: GeneDx Variant Classification Process June 2021. Collection method: clinical testing. Allele origin: germline. Affected: yes.
Comment: Not observed at significant frequency in large population cohorts (gnomAD); In silico analysis supports that this missense variant does not alter protein structure/function; Has not been previously published as pathogenic or benign to our knowledge

NM_015057.5(MYCBP2):c.3255C>G (p.His1085Gln)

Gene: MYCBP2 (MYC binding protein 2; minus strand). Cytogenetic location: 13q22.3.
Variant type: single nucleotide variant.
Coding change: c.3255C>G on transcript NM_015057.5 (MANE Select); coding-DNA position 3255, C replaced by G.
Protein change: p.His1085Gln; replaces histidine 1085 with glutamine.
Molecular consequence: missense variant.
Genome position (GRCh38, 1-based): chr13:77,211,963, G>C on the plus strand (C>G on the coding strand, the complement: MYCBP2 is on the minus strand). VCF-style: chr13-77211963-G-C. GRCh37 (hg19) VCF-style: chr13-77786098-G-C.
Other names: short protein forms H1085Q.
Identifiers: ClinVar variation 2579345 (VCV002579345.1), dbSNP rs2064079546, ClinGen allele CA388421789.